The following is an entry in ClinVar:

NM_002439.5(MSH3):c.978_984del (p.Phe326fs)

Genes: MSH3 (mutS homolog 3; plus strand), LOC126807437 (MED14-independent group 3 enhancer GRCh37_chr5:79968379-79969578; plus strand). Cytogenetic location: 5q14.1.
Variant type: Deletion.
Coding change: c.978_984del on transcript NM_002439.5 (MANE Select); coding-DNA positions 978 to 984, 7 bases deleted (TTCCCGG; older notation c.978_984delTTCCCGG).
Protein change: p.Phe326fs; shifts the reading frame from phenylalanine 326.
Molecular consequence: frameshift variant.
Genome position (GRCh38, 1-based): chr5:80,672,809-80,672,815, TTCCCGG deleted. VCF-style (leftmost placement, unchanged base first): chr5-80672808-TTTCCCGG-T. GRCh37 (hg19) VCF-style: chr5-79968627-TTTCCCGG-T.
Other names: c.978_984del (NM_002439.4); short protein forms F326fs.
Identifiers: ClinVar variation 657893 (VCV000657893.21), dbSNP rs1475633334, ClinGen allele CA560551894.

ClinVar aggregate classification (germline): Pathogenic/Likely pathogenic. Review status: criteria provided, multiple submitters, no conflicts (2 of 4 stars). 8 submissions from 8 submitters: Pathogenic (3); Likely pathogenic (5). Last evaluated 2025-12-03.

Conditions:
Familial adenomatous polyposis 4 (FAP4). Also called: MSH3-related attenuated familial adenomatous polyposis. Identifiers: Orphanet 480536, MedGen C4310719, MONDO:0044300, OMIM 617100.
Endometrial carcinoma. Also called: Endometrial carcinoma, somatic. Identifiers: MedGen C0476089, MONDO:0002447, OMIM 608089, HP:0012114.
Hereditary cancer-predisposing syndrome. Also called: Hereditary Cancer Syndrome; Hereditary neoplastic syndrome; Tumor predisposition; Neoplastic Syndromes, Hereditary. Identifiers: Orphanet 140162, MedGen C0027672, MeSH D009386, MONDO:0015356.

Allele frequency attached by ClinVar (database versions not stated): gnomAD 0.00001; gnomAD exomes below 0.00001; TOPMed 0.00002.

Submissions (8):

Dasa
Classification: Likely pathogenic. Last evaluated: 2025-12-03. Review status: criteria provided, single submitter. Criteria: DASA Assertion Criteria. Collection method: clinical testing. Allele origin: germline.
Comment: NM_002439.5(MSH3):c.978_984del (p.Phe326Leufs*3) is a frameshift variant in MSH3 predicted to alter the reading frame and introduce a premature termination codon and is predicted to result in an absent or altered protein product. Loss of function is an established disease mechanism for MSH3-associated disorders. Also, this variant is rare in population databases. Based on the currently available evidence, this variant is classified as likely pathogenic.

Labcorp Genetics (formerly Invitae), Labcorp
Classification: Pathogenic. Last evaluated: 2025-11-10. Review status: criteria provided, single submitter. Criteria: Invitae Variant Classification Sherloc (09022015). Collection method: clinical testing. Allele origin: germline.
Comment: This sequence change creates a premature translational stop signal (p.Phe326Leufs*3) in the MSH3 gene. It is expected to result in an absent or disrupted protein product. Loss-of-function variants in MSH3 are known to be pathogenic (PMID: 27476653, 37402566). This variant is present in population databases (no rsID available, gnomAD 0.003%). This variant has not been reported in the literature in individuals affected with MSH3-related conditions. ClinVar contains an entry for this variant (Variation ID: 657893). RNA analysis performed to evaluate the impact of this premature translational stop signal on mRNA splicing indicates it does not significantly alter splicing (internal data). For these reasons, this variant has been classified as Pathogenic.

Quest Diagnostics Nichols Institute San Juan Capistrano
Classification: Likely pathogenic. Last evaluated: 2025-10-08. Review status: criteria provided, single submitter. Criteria: Quest Diagnostics criteria. Collection method: clinical testing. Allele origin: unknown.
Comment: The MSH3 c.978_984del (p.Phe326Leufs*3) variant alters the translational reading frame of the MSH3 mRNA and is predicted to cause the premature termination of MSH3 protein synthesis. This variant has not been reported in individuals with MSH3-related conditions in the published literature. The frequency of this variant in the general population (Genome Aggregation Database) is consistent with pathogenicity. Based on the available information, this variant is classified as likely pathogenic .

GeneDx
Classification: Likely pathogenic. Last evaluated: 2025-05-05. Review status: criteria provided, single submitter. Criteria: GeneDx Variant Classification Process June 2021. Collection method: clinical testing. Allele origin: germline. Affected: yes.
Comment: Frameshift variant predicted to result in protein truncation or nonsense mediated decay in a gene for which loss of function is a known mechanism of disease; Not observed at significant frequency in large population cohorts (gnomAD); Has not been previously published as pathogenic or benign to our knowledge; This variant is associated with the following publications: (PMID: 27476653)

Baylor Genetics
Classification: Likely pathogenic for Endometrial carcinoma. Last evaluated: 2023-09-12. Review status: criteria provided, single submitter. Criteria: ACMG Guidelines, 2015. Collection method: clinical testing. Allele origin: unknown.

Myriad Genetics, Inc.
Classification: Pathogenic for Familial adenomatous polyposis 4. Last evaluated: 2023-08-29. Review status: criteria provided, single submitter. Criteria: Myriad Autosomal Dominant, Autosomal Recessive and X-Linked Classification Criteria (2023). Collection method: clinical testing. Allele origin: unknown.
Comment: This variant is considered pathogenic. This variant creates a frameshift predicted to result in premature protein truncation.

Ambry Genetics
Classification: Pathogenic for Hereditary cancer-predisposing syndrome. Last evaluated: 2023-04-06. Review status: criteria provided, single submitter. Criteria: Ambry Variant Classification Scheme 2023. Collection method: clinical testing. Allele origin: germline.
Comment: The c.978_984delTTCCCGG pathogenic mutation, located in coding exon 6 of the MSH3 gene, results from a deletion of 7 nucleotides at nucleotide positions 978 to 984, causing a translational frameshift with a predicted alternate stop codon (p.F326Lfs*3). This variant is considered to be rare based on population cohorts in the Genome Aggregation Database (gnomAD). This alteration is expected to result in loss of function by premature protein truncation or nonsense-mediated mRNA decay. As such, this alteration is interpreted as a disease-causing mutation.

Sema4
Classification: Likely pathogenic for Hereditary cancer-predisposing syndrome. Last evaluated: 2021-12-08. Review status: criteria provided, single submitter. Criteria: Sema4 Curation Guidelines. Collection method: curation. Allele origin: germline.
Comment: To the best of our knowledge, the MSH3 c.978_984delTTCCCGG (p.F326Lfs*3) variant has not been reported in individuals with MSH3-related disease. This variant causes a frameshift at amino acid 326 that results in premature termination 3 amino acids downstream. At this location, this is predicted to result in loss of function by premature protein truncation or nonsense-mediated mRNA decay. Loss of function variants in MSH3 are known to be pathogenic (PMID: 27476653). This variant was observed in 1/251466 chromosomes in the large and broad cohorts of the Genome Aggregation Database (PMID: 32461654). This variant has been reported in ClinVar (Variation ID: 657893). Based on the current evidence available, this variant is interpreted as likely pathogenic.

Literature cited by the submitters: PubMed 27476653 (cited by Labcorp Genetics (formerly Invitae), Labcorp and Sema4); PubMed 37402566 (cited by Labcorp Genetics (formerly Invitae), Labcorp).